The following is an entry in ClinVar:

ClinVar aggregate classification (germline): Likely benign. Review status: criteria provided, multiple submitters, no conflicts (2 of 4 stars). 2 submissions from 2 submitters: Likely benign (2). Last evaluated 2025-03-16.

Conditions:
Episodic ataxia type 2 (EA2). Also called: ATAXIA, EPISODIC, WITH NYSTAGMUS; ATAXIA, FAMILIAL PAROXYSMAL; CEREBELLAR ATAXIA, PAROXYSMAL, ACETAZOLAMIDE-RESPONSIVE; CEREBELLOPATHY, HEREDITARY PAROXYSMAL; ACETAZOLAMIDE-RESPONSIVE HEREDITARY PAROXYSMAL CEREBELLAR ATAXIA; EPISODIC ATAXIA, NYSTAGMUS-ASSOCIATED. Identifiers: Orphanet 97, MedGen C1720416, MONDO:0007163, OMIM 108500.
Developmental and epileptic encephalopathy, 42 (DEE42A). Also called: DEVELOPMENTAL AND EPILEPTIC ENCEPHALOPATHY 42A; EPILEPTIC ENCEPHALOPATHY, EARLY INFANTILE, 42A; Epileptic encephalopathy, early infantile, 42. Identifiers: MedGen C4310716, MONDO:0014917, OMIM 617106.

Allele frequency attached by ClinVar (database versions not stated): gnomAD exomes below 0.00001 and 0.00001; ExAC 0.00001; gnomAD 0.00001; TOPMed 0.00002.
gnomAD v4.1: 9 of 1,611,164 alleles (0.00056%); highest among the groups gnomAD compares: African/African-American, 0.0027%; no homozygotes.

Submissions (2):

Labcorp Genetics (formerly Invitae), Labcorp
Classification: Likely benign for Developmental and epileptic encephalopathy, 42; Episodic ataxia type 2. Last evaluated: 2025-03-16. Review status: criteria provided, single submitter. Criteria: Invitae Variant Classification Sherloc (09022015). Collection method: clinical testing. Allele origin: germline.

GeneDx
Classification: Likely benign. Last evaluated: 2016-08-04. Review status: criteria provided, single submitter. Criteria: GeneDx Variant Classification (06012015). Collection method: clinical testing. Allele origin: germline. Affected: yes.
Comment: This variant is considered likely benign or benign based on one or more of the following criteria: it is a conservative change, it occurs at a poorly conserved position in the protein, it is predicted to be benign by multiple in silico algorithms, and/or has population frequency not consistent with disease.

NM_001127222.2(CACNA1A):c.5840-16G>A

Gene: CACNA1A (calcium voltage-gated channel subunit alpha1 A; minus strand). Cytogenetic location: 19p13.13.
Variant type: single nucleotide variant.
Coding change: c.5840-16G>A on transcript NM_001127222.2 (MANE Select); 16 bases into the intron before coding-DNA position 5840, G replaced by A.
Molecular consequence: intron variant.
Genome position (GRCh38, 1-based): chr19:13,214,349, C>T on the plus strand (G>A on the coding strand, the complement: CACNA1A is on the minus strand). VCF-style: chr19-13214349-C-T. GRCh37 (hg19) VCF-style: chr19-13325163-C-T.
Other names: c.5843-16G>A (NM_001127221.2); c.5849-16G>A (NM_001174080.2); c.5858-16G>A (NM_000068.4, NM_023035.3).
Identifiers: ClinVar variation 388028 (VCV000388028.3), dbSNP rs771333825, ClinGen allele CA9239566.
Genomic context (GRCh38, chr19:13,214,349, plus strand): 5'-TGATCATCATGGCTGCGTAGATCTTCCCCACGGTGAGGTCCGTGGCTGGGGGCACACACA[C>T]GGTGAGCTCACCAAGGGCAGGCCTCTTTGGGGCCCTTGTCCTGGGTCCCTGTGTATACCA-3'